The following is an entry in ClinVar:

NM_006231.4(POLE):c.797G>T (p.Arg266Leu)

Gene: POLE (DNA polymerase epsilon, catalytic subunit; minus strand). Cytogenetic location: 12q24.33.
Variant type: single nucleotide variant.
Coding change: c.797G>T on transcript NM_006231.4 (MANE Select); coding-DNA position 797, G replaced by T.
Protein change: p.Arg266Leu; replaces arginine 266 with leucine.
Molecular consequence: missense variant.
Genome position (GRCh38, 1-based): chr12:132,677,367, C>A on the plus strand (G>T on the coding strand, the complement: POLE is on the minus strand). VCF-style: chr12-132677367-C-A. GRCh37 (hg19) VCF-style: chr12-133253953-C-A.
Other names: short protein forms R266L.
Identifiers: ClinVar variation 405740 (VCV000405740.27), dbSNP rs115786159, ClinGen allele CA6894185.

ClinVar aggregate classification (germline): Uncertain significance. Review status: criteria provided, multiple submitters, no conflicts (2 of 4 stars). 6 submissions from 6 submitters: Uncertain significance (6). Last evaluated 2025-12-10.

Conditions:
Hereditary cancer-predisposing syndrome. Also called: Hereditary Cancer Syndrome; Hereditary neoplastic syndrome; Neoplastic Syndromes, Hereditary; Tumor predisposition. Identifiers: Orphanet 140162, MedGen C0027672, MeSH D009386, MONDO:0015356.

Allele frequency attached by ClinVar (database versions not stated): gnomAD 0.00001 and 0.00002; TOPMed 0.00001; ExAC 0.00003; 1000 Genomes Project 30x 0.00016; 1000 Genomes Project 0.00020.
gnomAD v4.1: 8 of 1,613,106 alleles (0.0005%); highest among the groups gnomAD compares: Non-Finnish European, 0.00068%; no homozygotes.

Submissions (6):

Labcorp Genetics (formerly Invitae), Labcorp
Classification: Uncertain significance. Last evaluated: 2025-12-10. Review status: criteria provided, single submitter. Criteria: Invitae Variant Classification Sherloc (09022015). Collection method: clinical testing. Allele origin: germline.
Comment: This sequence change replaces arginine, which is basic and polar, with leucine, which is neutral and non-polar, at codon 266 of the POLE protein (p.Arg266Leu). This variant is present in population databases (rs115786159, gnomAD 0.004%). This variant has not been reported in the literature in individuals affected with POLE-related conditions. ClinVar contains an entry for this variant (Variation ID: 405740). Invitae Evidence Modeling of protein sequence and biophysical properties (such as structural, functional, and spatial information, amino acid conservation, physicochemical variation, residue mobility, and thermodynamic stability) indicates that this missense variant is not expected to disrupt POLE protein function with a negative predictive value of 80%. In summary, the available evidence is currently insufficient to determine the role of this variant in disease. Therefore, it has been classified as a Variant of Uncertain Significance.

Center for Genomic Medicine, Rigshospitalet, Copenhagen University Hospital
Classification: Uncertain significance. Last evaluated: 2025-03-04. Review status: criteria provided, single submitter. Criteria: ACMG Guidelines, 2015. Collection method: clinical testing. Allele origin: germline.

Ambry Genetics
Classification: Uncertain significance for Hereditary cancer-predisposing syndrome. Last evaluated: 2025-01-02. Review status: criteria provided, single submitter. Criteria: Ambry Variant Classification Scheme 2023. Collection method: clinical testing. Allele origin: germline.
Comment: The p.R266L variant (also known as c.797G>T), located in coding exon 8 of the POLE gene, results from a G to T substitution at nucleotide position 797. The arginine at codon 266 is replaced by leucine, an amino acid with dissimilar properties. This amino acid position is conserved. In addition, the in silico prediction for this alteration is inconclusive. Since supporting evidence is limited at this time, the clinical significance of this alteration remains unclear.

GeneDx
Classification: Uncertain significance. Last evaluated: 2024-04-04. Review status: criteria provided, single submitter. Criteria: GeneDx Variant Classification Process June 2021. Collection method: clinical testing. Allele origin: germline. Affected: yes.
Comment: Not observed at significant frequency in large population cohorts (gnomAD); In silico analysis supports that this missense variant has a deleterious effect on protein structure/function; Has not been previously published as pathogenic or benign to our knowledge

Genetic Services Laboratory, University of Chicago
Classification: Uncertain significance. Last evaluated: 2021-10-14. Review status: criteria provided, single submitter. Criteria: ACMG Guidelines, 2015. Collection method: clinical testing. Allele origin: germline. Affected: no.
Comment: DNA sequence analysis of the POLE gene demonstrated a sequence change, c.797G>T, in exon 8 that results in an amino acid change, p.Arg266Leu. This sequence change does not appear to have been previously described in individuals with POLE-related disorders. This sequence change has been described in four non-Finnish European individuals in the gnomAD population database (dbSNP rs115786159). The p.Arg266Leu change affects a highly conserved amino acid residue located in a domain of the POLE protein that is known to be functional. In-silico pathogenicity prediction tools (SIFT, PolyPhen2, Align GVGD, REVEL) provide contradictory results for the p.Arg266Leu substitution. Due to insufficient evidence and the lack of functional studies, the clinical significance of the p.Arg266Leu change remains unknown at this time.

Laboratory for Molecular Medicine, Mass General Brigham Personalized Medicine
Classification: Uncertain significance. Last evaluated: 2016-11-22. Review status: criteria provided, single submitter. Criteria: LMM Criteria. Collection method: clinical testing. Allele origin: germline. Observed: 1 variant allele.
Comment: The p.Arg266Leu variant in POLE has not been previously reported in individuals with colorectal cancer, but has been identified in 4/66730 of European chromosom es by the Exome Aggregation Consortium (ExAC; db SNP rs115786159). Computational prediction tools and conservation analysis do no t provide strong support for or against an impact to the protein. In summary, th e clinical significance of the p.Arg266Leu variant is uncertain.